The following is an entry in ClinVar:

NM_000228.3(LAMB3):c.806_807del (p.Pro269fs)

Gene: LAMB3 (laminin subunit beta 3; minus strand). Cytogenetic location: 1q32.2.
Variant type: Deletion.
Coding change: c.806_807del on transcript NM_000228.3 (MANE Select); coding-DNA positions 806 to 807, 2 bases deleted (CC; older notation c.806_807delCC).
Protein change: p.Pro269fs; shifts the reading frame from proline 269.
Molecular consequence: frameshift variant.
Genome position (GRCh38, 1-based): chr1:209,632,598-209,632,599, GG deleted on the plus strand (CC on the coding strand, the reverse complement: LAMB3 is on the minus strand); deleting any 2 consecutive bases within chr1:209,632,598-209,632,601 gives the same sequence; the c. name uses the placement nearest the transcript's 3' end. VCF-style (leftmost placement, unchanged base first): chr1-209632597-AGG-A. GRCh37 (hg19) VCF-style: chr1-209805942-AGG-A.
Other names: c.806_807del, p.Pro269fs (NM_001017402.2, NM_001127641.1); short protein forms P269fs.
Identifiers: ClinVar variation 2837316 (VCV002837316.3), dbSNP rs2464866736, ClinGen allele CA2650321950.
Genomic context (GRCh38, chr1:209,632,597, plus strand): 5'-CCTGGTCCTGCCCCCTTCCTCTCCCCTTCCCACCCTAGGCTGTTACCTGCACAGCGGTGG[AGG>A]GGCCTGCAGAGGCCCCAGGCTTGGGTGCGCAGCGATCAGCATGGCCGTGACAGAAGCAGC-3'

ClinVar aggregate classification (germline): Pathogenic (1 of 4 stars; one submission).

Submission:

Labcorp Genetics (formerly Invitae), Labcorp
Classification: Pathogenic. Last evaluated: 2023-02-14. Review status: criteria provided, single submitter. Criteria: Invitae Variant Classification Sherloc (09022015). Collection method: clinical testing. Allele origin: germline.
Comment: For these reasons, this variant has been classified as Pathogenic. This variant has not been reported in the literature in individuals affected with LAMB3-related conditions. This variant is not present in population databases (gnomAD no frequency). This sequence change creates a premature translational stop signal (p.Pro269Leufs*22) in the LAMB3 gene. It is expected to result in an absent or disrupted protein product. Loss-of-function variants in LAMB3 are known to be pathogenic (PMID: 11023379, 16473856).

Literature cited by the submitters: PubMed 11023379; PubMed 16473856.